The following is an entry in ClinVar:

NM_012387.3(PADI4):c.778G>A (p.Asp260Asn)

Gene: PADI4 (peptidyl arginine deiminase 4; plus strand). Cytogenetic location: 1p36.13.
Variant type: single nucleotide variant.
Coding change: c.778G>A on transcript NM_012387.3 (MANE Select); coding-DNA position 778, G replaced by A.
Protein change: p.Asp260Asn; replaces aspartic acid 260 with asparagine.
Molecular consequence: missense variant.
Genome position (GRCh38, 1-based): chr1:17,342,068, G>A. VCF-style: chr1-17342068-G-A. GRCh37 (hg19) VCF-style: chr1-17668563-G-A.
Other names: short protein forms D260N.
Identifiers: ClinVar variation 3056879 (VCV003056879.2), dbSNP rs35903413, ClinGen allele CA640647.
Genomic context (GRCh38, chr1:17,342,068, plus strand): 5'-GTCCCCGGTGGAAAGCACAACATGGACTTCTACGTGGAGGCCCTCGCTTTCCCGGACACC[G>A]ACTTCCCGGGGCTCATTACCCTCACCATCTCCCTGCTGGACACGTCCAACCTGGTAGGCC-3'
Protein context (NP_036519.2, residues 250-270): YVEALAFPDT[Asp260Asn]FPGLITLTIS

ClinVar aggregate classification (germline): Benign (0 of 4 stars; one submission).

Conditions:
PADI4-related disorder. Also called: PADI4-related condition.

Allele frequency attached by ClinVar (database versions not stated): 1000 Genomes Project 0.05252; 1000 Genomes Project 30x 0.05294; TOPMed 0.08480; gnomAD 0.09502; ESP Exome Variant Server 0.09519; ExAC 0.10281; gnomAD exomes 0.12369.
gnomAD v4.1: 194,235 of 1,613,568 alleles (12%); highest among the groups gnomAD compares: Non-Finnish European, 14%; 13,423 homozygotes.

Submission:

PreventionGenetics, part of Exact Sciences
Classification: Benign for PADI4-related condition. Last evaluated: 2019-12-09. Review status: no assertion criteria provided. Collection method: clinical testing. Allele origin: germline.
Comment: This variant is classified as benign based on ACMG/AMP sequence variant interpretation guidelines (Richards et al. 2015 PMID: 25741868, with internal and published modifications).